The following is an entry in ClinVar:

NM_020812.4(DOCK6):c.5113G>T (p.Glu1705Ter)

Genes: DOCK6 (dedicator of cytokinesis 6; minus strand), DOCK6-AS1 (DOCK6 antisense RNA 1; plus strand). Cytogenetic location: 19p13.2.
Variant type: single nucleotide variant.
Coding change: c.5113G>T on transcript NM_020812.4 (MANE Select); coding-DNA position 5113, G replaced by T.
Protein change: p.Glu1705Ter; replaces glutamic acid 1705 with a stop codon.
Molecular consequence: nonsense.
Genome position (GRCh38, 1-based): chr19:11,204,307, C>A on the plus strand (G>T on the coding strand, the complement: DOCK6 is on the minus strand). VCF-style: chr19-11204307-C-A. GRCh37 (hg19) VCF-style: chr19-11314983-C-A.
Other names: c.5218G>T, p.Glu1740Ter (NM_001367830.1); short protein forms E1740*, E1705*.
Identifiers: ClinVar variation 5005914 (VCV005005914.2).

ClinVar aggregate classification (germline): Likely pathogenic (1 of 4 stars; one submission).

Conditions:
Adams-Oliver syndrome 2 (AOS2). Identifiers: Orphanet 974, MedGen C3280182, MONDO:0013635, OMIM 614219.

Submission:

Juno Genomics, Hangzhou Juno Genomics, Inc
Classification: Likely pathogenic for Adams-Oliver syndrome 2. Review status: criteria provided, single submitter. Criteria: ACMG Guidelines, 2015. Collection method: clinical testing. Allele origin: germline.
Comment: Null variant in a gene where loss of function (LOF) is a known mechanism of disease.;Absent from controls (or at extremely low frequency if recessive) in Genome Aggregation Database.